The following is an entry in ClinVar:

ClinVar aggregate classification (germline): Uncertain significance (1 of 4 stars; one submission).

Conditions:
Hereditary cancer-predisposing syndrome. Also called: Neoplastic Syndromes, Hereditary; Tumor predisposition; Hereditary neoplastic syndrome; Hereditary Cancer Syndrome. Identifiers: Orphanet 140162, MedGen C0027672, MeSH D009386, MONDO:0015356.

Submission:

Color Diagnostics, LLC DBA Color Health
Classification: Uncertain significance for Hereditary cancer-predisposing syndrome. Last evaluated: 2023-12-04. Review status: criteria provided, single submitter. Criteria: ACMG Guidelines, 2015. Collection method: clinical testing. Allele origin: germline.
Comment: This missense variant replaces glutamic acid with aspartic acid at codon 65 of the STK11 protein. Computational prediction is inconclusive regarding the impact of this variant on protein structure and function (internally defined REVEL score threshold 0.5 < inconclusive < 0.7, PMID: 27666373). To our knowledge, functional studies have not been reported for this variant. This variant has not been reported in individuals affected with STK11-related disorders in the literature. This variant has not been identified in the general population by the Genome Aggregation Database (gnomAD). The available evidence is insufficient to determine the role of this variant in disease conclusively. Therefore, this variant is classified as a Variant of Uncertain Significance.

NM_000455.5(STK11):c.195G>C (p.Glu65Asp)

Gene: STK11 (serine/threonine kinase 11; plus strand). Cytogenetic location: 19p13.3.
Variant type: single nucleotide variant.
Coding change: c.195G>C on transcript NM_000455.5 (MANE Select); coding-DNA position 195, G replaced by C.
Protein change: p.Glu65Asp; replaces glutamic acid 65 with aspartic acid.
Molecular consequence: missense variant.
Genome position (GRCh38, 1-based): chr19:1,207,108, G>C. VCF-style: chr19-1207108-G-C. GRCh37 (hg19) VCF-style: chr19-1207107-G-C.
Other names: short protein forms E65D.
Identifiers: ClinVar variation 628378 (VCV000628378.5), dbSNP rs1568690287, ClinGen allele CA402944275.